The following is an entry in ClinVar:

NM_007194.4(CHEK2):c.1049dup (p.Glu351fs)

Gene: CHEK2 (checkpoint kinase 2; minus strand). Cytogenetic location: 22q12.1.
Variant type: Duplication.
Coding change: c.1049dup on transcript NM_007194.4 (MANE Select); coding-DNA position 1049, one base duplicated (C; older notation c.1049dupC).
Protein change: p.Glu351fs; shifts the reading frame from glutamic acid 351.
Molecular consequence: frameshift variant. On other transcripts: intron variant (3).
Genome position (GRCh38, 1-based): chr22:28,696,947, G duplicated on the plus strand (C on the coding strand, the reverse complement: CHEK2 is on the minus strand); the first of 2 consecutive G bases (chr22:28,696,947-28,696,948); duplicating either gives the same sequence. VCF-style (leftmost placement, unchanged base first): chr22-28696946-T-TG. GRCh37 (hg19) VCF-style: chr22-29092934-T-TG.
Other names: c.1178dup, p.Glu394fs (NM_001005735.3); c.386dup, p.Glu130fs (NM_001257387.3, NM_001437942.1); c.848dup, p.Glu284fs (NM_001349956.3); c.1142dup, p.Glu382fs (NM_001438293.1); c.1009-1074dup (NM_145862.3); c.1102-1074dup (NM_001438295.1); c.1138-1074dup (NM_001438294.1); short protein forms E130fs, E284fs, E351fs, E394fs, E382fs.
Identifiers: ClinVar variation 2583490 (VCV002583490.2), dbSNP rs1601727022, ClinGen allele CA1139770419.
Genomic context (GRCh38, chr22:28,696,946, plus strand): 5'-ATGCCAATTTCTTACCTTTATAAGACAGTCCTCTTCTTGAGATGACAGTAAAACATTCTC[T>TG]GGCTTTAAGTCACGGTGTATAATACCGTTTTCATGAAGGTACTACACAGAAAGGCAGGCA-3'

ClinVar aggregate classification (germline): Pathogenic (1 of 4 stars; one submission).

Conditions:
Familial cancer of breast. Also called: Hereditary breast cancer; BREAST CANCER, FAMILIAL; hereditary breast carcinoma. Identifiers: Orphanet 227535, MedGen C0346153, MONDO:0016419, OMIM 114480. Disease mechanism: loss of function.

Submission:

Myriad Genetics, Inc.
Classification: Pathogenic for Familial cancer of breast. Last evaluated: 2023-06-27. Review status: criteria provided, single submitter. Criteria: Myriad Autosomal Dominant, Autosomal Recessive and X-Linked Classification Criteria (2023). Collection method: clinical testing. Allele origin: unknown.
Comment: This variant is considered pathogenic. This variant creates a frameshift predicted to result in premature protein truncation.